The following is an entry in ClinVar:

ClinVar aggregate classification (germline): Uncertain significance. Review status: criteria provided, multiple submitters, no conflicts (2 of 4 stars). 2 submissions from 2 submitters: Uncertain significance (2). Last evaluated 2024-12-31.

Conditions:
Inborn genetic diseases. Identifiers: MedGen C0950123, MeSH D030342.

gnomAD v4.1: 16 of 1,612,644 alleles (0.00099%); highest among the groups gnomAD compares: Non-Finnish European, 0.0014%; no homozygotes.

Submissions (2):

Ambry Genetics
Classification: Uncertain significance for Inborn genetic diseases. Last evaluated: 2024-12-31. Review status: criteria provided, single submitter. Criteria: Ambry Variant Classification Scheme 2023. Collection method: clinical testing. Allele origin: germline.

GeneDx
Classification: Uncertain significance. Last evaluated: 2023-02-21. Review status: criteria provided, single submitter. Criteria: GeneDx Variant Classification Process June 2021. Collection method: clinical testing. Allele origin: germline. Affected: yes.
Comment: Not observed at significant frequency in large population cohorts (gnomAD); In silico analysis supports that this missense variant has a deleterious effect on protein structure/function; Has not been previously published as pathogenic or benign to our knowledge

NM_005883.3(APC2):c.1791C>G (p.Ile597Met)

Gene: APC2 (APC regulator of WNT signaling pathway 2; plus strand). Cytogenetic location: 19p13.3.
Variant type: single nucleotide variant.
Coding change: c.1791C>G on transcript NM_005883.3 (MANE Select); coding-DNA position 1791, C replaced by G.
Protein change: p.Ile597Met; replaces isoleucine 597 with methionine.
Molecular consequence: missense variant.
Genome position (GRCh38, 1-based): chr19:1,462,115, C>G. VCF-style: chr19-1462115-C-G. GRCh37 (hg19) VCF-style: chr19-1462114-C-G.
Other names: c.1788C>G, p.Ile596Met (NM_001351273.1); short protein forms I596M, I597M.
Identifiers: ClinVar variation 2576703 (VCV002576703.2), dbSNP rs142142534, ClinGen allele CA403022128.
Genomic context (GRCh38, chr19:1,462,115, plus strand): 5'-CCTGGGCTTCCTGGTGAGCACCCTGACCTACAAGTGTCAGAGCAACTCGCTGGCCATCAT[C>G]GAGAGCGGCGGCGGCATCCTCCGCAATGTGTCCAGCCTCGTCGCCACCCGTGAGGACTAC-3'
Protein context (NP_005874.1, residues 587-607): YKCQSNSLAI[Ile597Met]ESGGGILRNV